The following is an entry in ClinVar:

ClinVar aggregate classification (germline): Likely benign. Review status: criteria provided, multiple submitters, no conflicts (2 of 4 stars). 6 submissions from 6 submitters: Likely benign (5). 1 of the submissions does not count toward it. Last evaluated 2026-01-14.

Conditions:
Cardiovascular phenotype. Identifiers: MedGen CN230736.
TTN-related disorder. Also called: TTN-related disorders; TTN-related condition; TTN-related disease.
Dilated cardiomyopathy 1G (CMD1G). Identifiers: Orphanet 154, MedGen C1858763, MONDO:0011400, OMIM 604145.
Autosomal recessive limb-girdle muscular dystrophy type 2J (LGMDR10). Also called: Limb-girdle muscular dystrophy, type 2J; MUSCULAR DYSTROPHY, LIMB-GIRDLE, AUTOSOMAL RECESSIVE 10. Identifiers: Orphanet 140922, MedGen C1837342, MONDO:0012127, OMIM 608807.

Allele frequency attached by ClinVar (database versions not stated): TOPMed 0.00007; gnomAD 0.00016; gnomAD exomes 0.00004; ExAC 0.00006.
gnomAD v4.1: 89 of 1,613,496 alleles (0.0055%); highest among the groups gnomAD compares: Non-Finnish European, 0.0067%; no homozygotes.

Submissions (6):

Labcorp Genetics (formerly Invitae), Labcorp
Classification: Likely benign for Dilated cardiomyopathy 1G; Autosomal recessive limb-girdle muscular dystrophy type 2J. Last evaluated: 2026-01-14. Review status: criteria provided, single submitter. Criteria: Invitae Variant Classification Sherloc (09022015). Collection method: clinical testing. Allele origin: germline.

Blueprint Genetics
Classification: Likely benign. Last evaluated: 2024-06-10. Review status: criteria provided, single submitter. Criteria: ACMG Guidelines, 2015. Collection method: clinical testing. Allele origin: germline.

CeGaT Center for Human Genetics Tuebingen
Classification: Likely benign. Last evaluated: 2023-06-01. Review status: criteria provided, single submitter. Criteria: CeGaT Center For Human Genetics Tuebingen Variant Classification Criteria Version 2. Collection method: clinical testing. Allele origin: germline. Affected: yes. Observed: 1 variant allele.
Comment: TTN: BP4, BP7

Ambry Genetics
Classification: Likely benign for Cardiovascular phenotype. Last evaluated: 2023-05-29. Review status: criteria provided, single submitter. Criteria: Ambry Variant Classification Scheme 2023. Collection method: clinical testing. Allele origin: germline.

GeneDx
Classification: Likely benign. Last evaluated: 2021-03-01. Review status: criteria provided, single submitter. Criteria: GeneDx Variant Classification Process June 2021. Collection method: clinical testing. Allele origin: germline. Affected: yes.

PreventionGenetics, part of Exact Sciences
Classification: Likely benign for TTN-related condition. Last evaluated: 2019-11-18. Review status: no assertion criteria provided. Collection method: clinical testing. Allele origin: germline. Not counted in ClinVar's aggregate classification.
Comment: This variant is classified as likely benign based on ACMG/AMP sequence variant interpretation guidelines (Richards et al. 2015 PMID: 25741868, with internal and published modifications).

NM_001267550.2(TTN):c.80187G>A (p.Ala26729=)

Genes: TTN (titin; minus strand), TTN-AS1 (TTN antisense RNA 1; plus strand). Cytogenetic location: 2q31.2.
Variant type: single nucleotide variant.
Coding change: c.80187G>A on transcript NM_001267550.2 (MANE Select); coding-DNA position 80187, G replaced by A.
Protein change: p.Ala26729=; no amino-acid change (alanine 26729 retained).
Molecular consequence: synonymous variant.
Genome position (GRCh38, 1-based): chr2:178,565,945, C>T on the plus strand (G>A on the coding strand, the complement: TTN is on the minus strand). VCF-style: chr2-178565945-C-T. GRCh37 (hg19) VCF-style: chr2-179430672-C-T.
Other names: c.75264G>A, p.Ala25088= (NM_001256850.1); c.52992G>A, p.Ala17664= (NM_003319.4); c.72483G>A, p.Ala24161= (NM_133378.4); c.53367G>A, p.Ala17789= (NM_133432.3); c.53568G>A, p.Ala17856= (NM_133437.4).
Identifiers: ClinVar variation 467526 (VCV000467526.42), dbSNP rs779833666, ClinGen allele CA1989380.
Genomic context (GRCh38, chr2:178,565,945, plus strand): 5'-TTCTGTAAGGTTTTCCACTTTAAAACTTGTTTTGCTGCATTTACTACTCACATTAGCATA[C>T]GCTTTTCTGGTTGACTCACGTTTGTCAATCACATAGTTCTTGACCTTTGCCCCTCCATCA-3'
Protein context (NP_001254479.2, residues 26719-26739): VIDKRESTRK[Ala26729=]YANVSSKCSK